The following is an entry in ClinVar:

NM_001364818.2(DEPDC4):c.96A>G (p.Pro32=)

Genes: DEPDC4 (DEP domain containing 4; minus strand), LOC130008539 (ATAC-STARR-seq lymphoblastoid active region 6856; plus strand). Cytogenetic location: 12q23.1.
Variant type: single nucleotide variant.
Coding change: c.96A>G on transcript NM_001364818.2 (MANE Select); coding-DNA position 96, A replaced by G.
Protein change: p.Pro32=; no amino-acid change (proline 32 retained).
Molecular consequence: synonymous variant. On other transcripts: 5 prime UTR variant (2), non-coding transcript variant (4).
Genome position (GRCh38, 1-based): chr12:100,266,981, T>C on the plus strand (A>G on the coding strand, the complement: DEPDC4 is on the minus strand). VCF-style: chr12-100266981-T-C. GRCh37 (hg19) VCF-style: chr12-100660759-T-C.
Other names: c.96A>G, p.Pro32= (NM_001319310.2, NM_001319311.2, NM_001387201.1 and 8 more transcripts); c.-75A>G (NM_001387212.1, NM_001387213.1).
Identifiers: ClinVar variation 5040788 (VCV005040788.1).

ClinVar aggregate classification (germline): Likely benign (1 of 4 stars; one submission).

gnomAD v4.1: 11,601 of 1,614,054 alleles (0.72%); highest among the groups gnomAD compares: Non-Finnish European, 0.89%; 54 homozygotes.

Submission:

CeGaT Center for Human Genetics Tuebingen
Classification: Likely benign. Last evaluated: 2026-09-01. Review status: criteria provided, single submitter. Criteria: CeGaT Center For Human Genetics Tuebingen Variant Classification Criteria Version 2. Collection method: clinical testing. Allele origin: germline. Affected: yes. Observed: 1 variant allele.
Comment: DEPDC4: BP4, BP7, BS2